The following is an entry in ClinVar:

NM_001382391.1(CSPP1):c.2146_2147del (p.Ser716fs)

Gene: CSPP1 (centrosome and spindle pole associated protein 1; plus strand). Cytogenetic location: 8q13.2.
Variant type: Microsatellite.
Coding change: c.2146_2147del on transcript NM_001382391.1 (MANE Select); coding-DNA positions 2146 to 2147, 2 bases deleted (AG; older notation c.2146_2147delAG).
Protein change: p.Ser716fs; shifts the reading frame from serine 716.
Molecular consequence: frameshift variant.
Genome position (GRCh38, 1-based): chr8:67,154,041-67,154,042, AG deleted; deleting any 2 consecutive bases within chr8:67,154,039-67,154,042 gives the same sequence; the c. name uses the placement nearest the transcript's 3' end. VCF-style (leftmost placement, unchanged base first): chr8-67154038-CAG-C. GRCh37 (hg19) VCF-style: chr8-68066273-CAG-C.
Other names: c.1096_1097del, p.Ser366fs (NM_001291339.2); c.2065_2066del, p.Ser689fs (NM_001363131.2); c.1951_1952del, p.Ser651fs (NM_001363132.2); c.1870_1871del, p.Ser624fs (NM_001363133.2); c.2212_2213del, p.Ser738fs (NM_001364869.1); c.2032_2033del, p.Ser678fs (NM_001364870.1); c.2129_2130AG[1], p.Ser711Leufs (NM_024790.7); short protein forms S366fs, S624fs, S651fs, S678fs, S689fs, S711fs, S716fs, S738fs.
Identifiers: ClinVar variation 3384124 (VCV003384124.1).

ClinVar aggregate classification (germline): Likely pathogenic (1 of 4 stars; one submission).

Conditions:
Joubert syndrome 21 (JBTS21). Identifiers: MedGen C3810212, MONDO:0014288, OMIM 615636.

Submission:

Dubai Health Genomic Medicine Center, Dubai Health
Classification: Likely pathogenic for Joubert syndrome 21. Last evaluated: 2024-10-04. Review status: criteria provided, single submitter. Criteria: ACMG Guidelines, 2015. Collection method: research. Allele origin: germline. Affected: yes.
Comment: PVS1,PM2